The following is an entry in ClinVar:

NM_006231.4(POLE):c.4430G>T (p.Ser1477Ile)

Gene: POLE (DNA polymerase epsilon, catalytic subunit; minus strand). Cytogenetic location: 12q24.33.
Variant type: single nucleotide variant.
Coding change: c.4430G>T on transcript NM_006231.4 (MANE Select); coding-DNA position 4430, G replaced by T.
Protein change: p.Ser1477Ile; replaces serine 1477 with isoleucine.
Molecular consequence: missense variant.
Genome position (GRCh38, 1-based): chr12:132,643,421, C>A on the plus strand (G>T on the coding strand, the complement: POLE is on the minus strand). VCF-style: chr12-132643421-C-A. GRCh37 (hg19) VCF-style: chr12-133220007-C-A.
Other names: short protein forms S1477I.
Identifiers: ClinVar variation 2992195 (VCV002992195.3), dbSNP rs2138549807, ClinGen allele CA387380956.

ClinVar aggregate classification (germline): Uncertain significance (1 of 4 stars; one submission).

Submission:

Labcorp Genetics (formerly Invitae), Labcorp
Classification: Uncertain significance. Last evaluated: 2024-09-14. Review status: criteria provided, single submitter. Criteria: Invitae Variant Classification Sherloc (09022015). Collection method: clinical testing. Allele origin: germline.
Comment: This sequence change replaces serine, which is neutral and polar, with isoleucine, which is neutral and non-polar, at codon 1477 of the POLE protein (p.Ser1477Ile). This variant is not present in population databases (gnomAD no frequency). This variant has not been reported in the literature in individuals affected with POLE-related conditions. Invitae Evidence Modeling of protein sequence and biophysical properties (such as structural, functional, and spatial information, amino acid conservation, physicochemical variation, residue mobility, and thermodynamic stability) indicates that this missense variant is not expected to disrupt POLE protein function with a negative predictive value of 80%. In summary, the available evidence is currently insufficient to determine the role of this variant in disease. Therefore, it has been classified as a Variant of Uncertain Significance.